The following is an entry in ClinVar:

ClinVar aggregate classification (germline): Uncertain significance (1 of 4 stars; one submission).

gnomAD v4.1: 8 of 1,573,966 alleles (0.00051%); highest among the groups gnomAD compares: South Asian, 0.0034%; no homozygotes.

Submission:

Labcorp Genetics (formerly Invitae), Labcorp
Classification: Uncertain significance. Last evaluated: 2025-01-29. Review status: criteria provided, single submitter. Criteria: Invitae Variant Classification Sherloc (09022015). Collection method: clinical testing. Allele origin: germline.
Comment: This sequence change replaces alanine, which is neutral and non-polar, with threonine, which is neutral and polar, at codon 88 of the LTBP2 protein (p.Ala88Thr). The frequency data for this variant in the population databases is considered unreliable, as metrics indicate poor data quality at this position in the gnomAD database. This variant has not been reported in the literature in individuals affected with LTBP2-related conditions. An algorithm developed to predict the effect of missense changes on protein structure and function outputs the following: PolyPhen-2: "Benign". The threonine amino acid residue is found in multiple mammalian species, which suggests that this missense change does not adversely affect protein function. In summary, the available evidence is currently insufficient to determine the role of this variant in disease. Therefore, it has been classified as a Variant of Uncertain Significance.

NM_000428.3(LTBP2):c.262G>A (p.Ala88Thr)

Gene: LTBP2 (latent transforming growth factor beta binding protein 2; minus strand). Cytogenetic location: 14q24.3.
Variant type: single nucleotide variant.
Coding change: c.262G>A on transcript NM_000428.3 (MANE Select); coding-DNA position 262, G replaced by A.
Protein change: p.Ala88Thr; replaces alanine 88 with threonine.
Molecular consequence: missense variant.
Genome position (GRCh38, 1-based): chr14:74,611,683, C>T on the plus strand (G>A on the coding strand, the complement: LTBP2 is on the minus strand). VCF-style: chr14-74611683-C-T. GRCh37 (hg19) VCF-style: chr14-75078386-C-T.
Other names: short protein forms A88T.
Identifiers: ClinVar variation 3607825 (VCV003607825.2).